The following is an entry in ClinVar:

NM_145698.5(ACBD5):c.105G>C (p.Glu35Asp)

Genes: ACBD5 (acyl-CoA binding domain containing 5; minus strand), LOC130003557 (ATAC-STARR-seq lymphoblastoid active region 3182; plus strand). Cytogenetic location: 10p12.1.
Variant type: single nucleotide variant.
Coding change: c.105G>C on transcript NM_145698.5 (MANE Select); coding-DNA position 105, G replaced by C.
Protein change: p.Glu35Asp; replaces glutamic acid 35 with aspartic acid.
Molecular consequence: missense variant. On other transcripts: 5 prime UTR variant (16).
Genome position (GRCh38, 1-based): chr10:27,240,395, C>G on the plus strand (G>C on the coding strand, the complement: ACBD5 is on the minus strand). VCF-style: chr10-27240395-C-G. GRCh37 (hg19) VCF-style: chr10-27529324-C-G.
Other names: c.105G>C (NM_145698.4); c.-1G>C (NM_001042473.4, NM_001352574.2, NM_001352575.2 and 6 more transcripts); c.99G>C, p.Glu33Asp (NM_001271512.3, NM_001352571.1, NM_001352586.1 and 1 more transcripts); c.-102G>C (NM_001301251.2, NM_001301252.2, NM_001301253.2 and 4 more transcripts); c.126G>C, p.Glu42Asp (NM_001352568.1, NM_001352572.1); c.105G>C, p.Glu35Asp (NM_001352569.1, NM_001352570.1, NM_001352573.1 and 2 more transcripts); short protein forms E33D, E35D, E42D.
Identifiers: ClinVar variation 1007716 (VCV001007716.7), dbSNP rs755694145, ClinGen allele CA5451034.
Genomic context (GRCh38, chr10:27,240,395, plus strand): 5'-CTGGATCACCTTCACGGCCGCCTCAAACCTAGTCTCGTGCACGGATCTCGTGTCCGCCAT[C>G]TCCAGCTGCCAGTGTTGGCCCCGGTCCCAAGGTCTGTCGGCGGGAATCAGGCAGCAGCAG-3'
Protein context (NP_663736.2, residues 25-45): PWDRGQHWQL[Glu35Asp]MADTRSVHET

ClinVar aggregate classification (germline): Uncertain significance. Review status: criteria provided, single submitter (1 of 4 stars). 2 submissions from 2 submitters: Uncertain significance (1). 1 of the submissions does not count toward it. Last evaluated 2025-09-02.

Conditions:
ACBD5-related disorder. Also called: ACBD5-related condition.

Allele frequency attached by ClinVar (database versions not stated): gnomAD exomes 0.00001 and 0.00005; ExAC 0.00002; gnomAD 0.00002; TOPMed 0.00002.
gnomAD v4.1: 20 of 1,614,020 alleles (0.0012%); highest among the groups gnomAD compares: East Asian, 0.042%; no homozygotes.

Submissions (2):

Labcorp Genetics (formerly Invitae), Labcorp
Classification: Uncertain significance. Last evaluated: 2025-09-02. Review status: criteria provided, single submitter. Criteria: Invitae Variant Classification Sherloc (09022015). Collection method: clinical testing. Allele origin: germline.
Comment: This sequence change replaces glutamic acid, which is acidic and polar, with aspartic acid, which is acidic and polar, at codon 35 of the ACBD5 protein (p.Glu35Asp). This variant is present in population databases (rs755694145, gnomAD 0.07%). This variant has not been reported in the literature in individuals affected with ACBD5-related conditions. ClinVar contains an entry for this variant (Variation ID: 1007716). An algorithm developed to predict the effect of missense changes on protein structure and function outputs the following: PolyPhen-2: "Benign". The aspartic acid amino acid residue is found in multiple mammalian species, which suggests that this missense change does not adversely affect protein function. In summary, the available evidence is currently insufficient to determine the role of this variant in disease. Therefore, it has been classified as a Variant of Uncertain Significance.

PreventionGenetics, part of Exact Sciences
Classification: Uncertain significance for ACBD5-related condition. Last evaluated: 2024-08-07. Review status: no assertion criteria provided. Collection method: clinical testing. Allele origin: germline. Not counted in ClinVar's aggregate classification.
Comment: The ACBD5 c.105G>C variant is predicted to result in the amino acid substitution p.Glu35Asp. To our knowledge, this variant has not been reported in the literature. This variant is also described in another transcript as NM_001352574.1:c.-1G>C (AG Acceptor). This variant is reported in 0.065% of alleles in individuals of East Asian descent in gnomAD. Although we suspect that this variant may be benign, at this time, the clinical significance of this variant is uncertain due to the absence of conclusive functional and genetic evidence.